The following is an entry in ClinVar:

NM_000135.4(FANCA):c.1048C>G (p.Arg350Gly)

Gene: FANCA (FA complementation group A; minus strand). Cytogenetic location: 16q24.3.
Variant type: single nucleotide variant.
Coding change: c.1048C>G on transcript NM_000135.4 (MANE Select); coding-DNA position 1048, C replaced by G.
Protein change: p.Arg350Gly; replaces arginine 350 with glycine.
Molecular consequence: missense variant.
Genome position (GRCh38, 1-based): chr16:89,792,506, G>C on the plus strand (C>G on the coding strand, the complement: FANCA is on the minus strand). VCF-style: chr16-89792506-G-C. GRCh37 (hg19) VCF-style: chr16-89858914-G-C.
Other names: c.1048C>G, p.Arg350Gly (NM_001286167.3); short protein forms R350G.
Identifiers: ClinVar variation 4085659 (VCV004085659.9).
Genomic context (GRCh38, chr16:89,792,506, plus strand): 5'-CAGGTATAATACCACATCCACTCACCCTGCGGTACAGTGAGGTGAGCAGAGGGTGTGTCC[G>C]CGCAAAGCTCCACTCTCTCTGCATCTGAACAGCATCAGATGCTGCAGGGGGAGAAACAGA-3'
Protein context (NP_000126.2, residues 340-360): VQMQREWSFA[Arg350Gly]THPLLTSLYR

ClinVar aggregate classification (germline): Uncertain significance. Review status: criteria provided, multiple submitters, no conflicts (2 of 4 stars). 2 submissions from 2 submitters: Uncertain significance (2). Last evaluated 2025-08-25.

Conditions:
Fanconi anemia (FA). Also called: Fanconi's anemia. Identifiers: Orphanet 84, MedGen C0015625, MeSH D005199, MONDO:0019391.

gnomAD v4.1: 2 of 1,613,456 alleles (0.00012%); highest among the groups gnomAD compares: Non-Finnish European, 0.00017%; no homozygotes.

Submissions (2):

Labcorp Genetics (formerly Invitae), Labcorp
Classification: Uncertain significance for Fanconi anemia. Last evaluated: 2025-08-25. Review status: criteria provided, single submitter. Criteria: Invitae Variant Classification Sherloc (09022015). Collection method: clinical testing. Allele origin: germline.
Comment: This sequence change replaces arginine, which is basic and polar, with glycine, which is neutral and non-polar, at codon 350 of the FANCA protein (p.Arg350Gly). This variant is not present in population databases (gnomAD no frequency). This variant has not been reported in the literature in individuals affected with FANCA-related conditions. Invitae Evidence Modeling of protein sequence and biophysical properties (such as structural, functional, and spatial information, amino acid conservation, physicochemical variation, residue mobility, and thermodynamic stability) indicates that this missense variant is not expected to disrupt FANCA protein function with a negative predictive value of 95%. In summary, the available evidence is currently insufficient to determine the role of this variant in disease. Therefore, it has been classified as a Variant of Uncertain Significance.

CeGaT Center for Human Genetics Tuebingen
Classification: Uncertain significance. Last evaluated: 2025-07-01. Review status: criteria provided, single submitter. Criteria: CeGaT Center For Human Genetics Tuebingen Variant Classification Criteria Version 2. Collection method: clinical testing. Allele origin: germline. Affected: yes. Observed: 1 variant allele.
Comment: FANCA: PM2, BP4